The following is an entry in ClinVar:

ClinVar aggregate classification (germline): Uncertain significance. Review status: criteria provided, multiple submitters, no conflicts (2 of 4 stars). 3 submissions from 3 submitters: Uncertain significance (3). Last evaluated 2025-09-28.

Allele frequency attached by ClinVar (database versions not stated): gnomAD 0.00002; TOPMed 0.00002; ESP Exome Variant Server 0.00008.
gnomAD v4.1: 8 of 1,614,024 alleles (0.0005%); highest among the groups gnomAD compares: Non-Finnish European, 0.00068%; no homozygotes.

Submissions (3):

Ambry Genetics
Classification: Uncertain significance. Last evaluated: 2025-09-28. Review status: criteria provided, single submitter. Criteria: Ambry Variant Classification Scheme 2023. Collection method: clinical testing. Allele origin: germline.

Athena Diagnostics
Classification: Uncertain significance. Last evaluated: 2023-08-07. Review status: criteria provided, single submitter. Criteria: Athena Diagnostics Criteria. Collection method: clinical testing. Allele origin: unknown.
Comment: Available data are insufficient to determine the clinical significance of the variant at this time. This variant has not been reported in large, multi-ethnic general populations. Computational tools predict that this variant is not damaging.

Blueprint Genetics
Classification: Uncertain significance. Last evaluated: 2020-12-02. Review status: criteria provided, single submitter. Criteria: ACMG Guidelines, 2015. Collection method: clinical testing. Allele origin: germline.

NM_001961.4(EEF2):c.709G>A (p.Ala237Thr)

Gene: EEF2 (eukaryotic translation elongation factor 2; minus strand). Cytogenetic location: 19p13.3.
Variant type: single nucleotide variant.
Coding change: c.709G>A on transcript NM_001961.4 (MANE Select); coding-DNA position 709, G replaced by A.
Protein change: p.Ala237Thr; replaces alanine 237 with threonine.
Molecular consequence: missense variant.
Genome position (GRCh38, 1-based): chr19:3,982,328, C>T on the plus strand (G>A on the coding strand, the complement: EEF2 is on the minus strand). VCF-style: chr19-3982328-C-T. GRCh37 (hg19) VCF-style: chr19-3982326-C-T.
Other names: short protein forms A237T.
Identifiers: ClinVar variation 2509895 (VCV002509895.5), dbSNP rs368547225, ClinGen allele CA304443494.
Genomic context (GRCh38, chr19:3,982,328, plus strand): 5'-TCATGTCCTCTACTTTCTTGGCCCGCTCGGCAGGCCCCAACTGGCCCTCCCCCTTGGCGG[C>T]GAACTTGGCCACATACATCTCGGCAAACTGCTTCAGGGTGAAGGCCCACCCGTGGAGGCC-3'
Protein context (NP_001952.1, residues 227-247): QFAEMYVAKF[Ala237Thr]AKGEGQLGPA